The following is an entry in ClinVar:

NM_000180.4(GUCY2D):c.1123G>A (p.Gly375Arg)

Gene: GUCY2D (guanylate cyclase 2D, retinal; plus strand). Cytogenetic location: 17p13.1.
Variant type: single nucleotide variant.
Coding change: c.1123G>A on transcript NM_000180.4 (MANE Select); coding-DNA position 1123, G replaced by A.
Protein change: p.Gly375Arg; replaces glycine 375 with arginine.
Molecular consequence: missense variant.
Genome position (GRCh38, 1-based): chr17:8,006,459, G>A. VCF-style: chr17-8006459-G-A. GRCh37 (hg19) VCF-style: chr17-7909777-G-A.
Other names: short protein forms G375R.
Identifiers: ClinVar variation 1933857 (VCV001933857.5), dbSNP rs773811368, ClinGen allele CA8365659.
Genomic context (GRCh38, chr17:8,006,459, plus strand): 5'-TTCTTGCTGGCAAGGGGCGTGGCAGAAGCGCGGGCTGCCGCAGGTGGCAGATGGGTGTCC[G>A]GAGCAGCTGTGGCCCGCCACATCCGGGATGCGCAGGTCCCTGGCTTCTGCGGGGACCTAG-3'
Protein context (NP_000171.1, residues 365-385): RAAAGGRWVS[Gly375Arg]AAVARHIRDA

ClinVar aggregate classification (germline): Uncertain significance (1 of 4 stars; one submission).

Conditions:
Cone-rod dystrophy 6 (CORD6). Also called: Cone dystrophy progressive; RETINAL CONE DYSTROPHY 2. Identifiers: Orphanet 1872, MedGen C1866293, MONDO:0011143, OMIM 601777.
Leber congenital amaurosis 1 (LCA1). Also called: AMAUROSIS CONGENITA OF LEBER I; Congenital absence of the rods and cones; Leber's congenital tapetoretinal degeneration; Leber's congenital tapetoretinal dysplasia; RETINAL BLINDNESS, CONGENITAL. Identifiers: Orphanet 65, MedGen C2931258, MONDO:0008764, OMIM 204000.

Allele frequency attached by ClinVar (database versions not stated): ExAC 0.00001; gnomAD 0.00001; TOPMed 0.00001.

Submission:

Labcorp Genetics (formerly Invitae), Labcorp
Classification: Uncertain significance for Leber congenital amaurosis 1; Cone-rod dystrophy 6. Last evaluated: 2023-08-10. Review status: criteria provided, single submitter. Criteria: Invitae Variant Classification Sherloc (09022015). Collection method: clinical testing. Allele origin: germline.
Comment: This sequence change replaces glycine, which is neutral and non-polar, with arginine, which is basic and polar, at codon 375 of the GUCY2D protein (p.Gly375Arg). In summary, the available evidence is currently insufficient to determine the role of this variant in disease. Therefore, it has been classified as a Variant of Uncertain Significance. Advanced modeling of protein sequence and biophysical properties (such as structural, functional, and spatial information, amino acid conservation, physicochemical variation, residue mobility, and thermodynamic stability) has been performed at Invitae for this missense variant, however the output from this modeling did not meet the statistical confidence thresholds required to predict the impact of this variant on GUCY2D protein function. ClinVar contains an entry for this variant (Variation ID: 1933857). This variant has not been reported in the literature in individuals affected with GUCY2D-related conditions. This variant is present in population databases (rs773811368, gnomAD 0.003%).